The following is an entry in ClinVar:

ClinVar aggregate classification (germline): Uncertain significance (1 of 4 stars; one submission).

Conditions:
Perlman syndrome (PRLMNS). Identifiers: Orphanet 2849, MedGen C0796113, MONDO:0009965, OMIM 267000.

gnomAD v4.1: 1 of 1,614,002 alleles (0.000062%); highest among the groups gnomAD compares: African/African-American, 0.0013%; no homozygotes.

Submission:

Labcorp Genetics (formerly Invitae), Labcorp
Classification: Uncertain significance for Perlman syndrome. Last evaluated: 2023-02-08. Review status: criteria provided, single submitter. Criteria: Invitae Variant Classification Sherloc (09022015). Collection method: clinical testing. Allele origin: germline.
Comment: This sequence change replaces aspartic acid, which is acidic and polar, with alanine, which is neutral and non-polar, at codon 220 of the DIS3L2 protein (p.Asp220Ala). This variant is not present in population databases (gnomAD no frequency). In summary, the available evidence is currently insufficient to determine the role of this variant in disease. Therefore, it has been classified as a Variant of Uncertain Significance. Algorithms developed to predict the effect of missense changes on protein structure and function (SIFT, PolyPhen-2, Align-GVGD) all suggest that this variant is likely to be tolerated. ClinVar contains an entry for this variant (Variation ID: 1440352). This variant has not been reported in the literature in individuals affected with DIS3L2-related conditions.

NM_152383.5(DIS3L2):c.659A>C (p.Asp220Ala)

Gene: DIS3L2 (DIS3 like 3'-5' exoribonuclease 2; plus strand). Cytogenetic location: 2q37.1.
Variant type: single nucleotide variant.
Coding change: c.659A>C on transcript NM_152383.5 (MANE Select); coding-DNA position 659, A replaced by C.
Protein change: p.Asp220Ala; replaces aspartic acid 220 with alanine.
Molecular consequence: missense variant. On other transcripts: non-coding transcript variant (2).
Genome position (GRCh38, 1-based): chr2:232,130,676, A>C. VCF-style: chr2-232130676-A-C. GRCh37 (hg19) VCF-style: chr2-232995386-A-C.
Other names: c.659A>C, p.Asp220Ala (NM_001257281.2, NM_001257282.2); short protein forms D220A.
Identifiers: ClinVar variation 1440352 (VCV001440352.8), dbSNP rs760490430, ClinGen allele CA351153208.